The following is an entry in ClinVar:

NM_003482.4(KMT2D):c.970C>G (p.Arg324Gly)

Gene: KMT2D (lysine methyltransferase 2D; minus strand). Cytogenetic location: 12q13.12.
Variant type: single nucleotide variant.
Coding change: c.970C>G on transcript NM_003482.4 (MANE Select); coding-DNA position 970, C replaced by G.
Protein change: p.Arg324Gly; replaces arginine 324 with glycine.
Molecular consequence: missense variant.
Genome position (GRCh38, 1-based): chr12:49,053,057, G>C on the plus strand (C>G on the coding strand, the complement: KMT2D is on the minus strand). VCF-style: chr12-49053057-G-C. GRCh37 (hg19) VCF-style: chr12-49446840-G-C.
Other names: short protein forms R324G.
Identifiers: ClinVar variation 3635172 (VCV003635172.2).

ClinVar aggregate classification (germline): Uncertain significance (1 of 4 stars; one submission).

Conditions:
Kabuki syndrome. Also called: NIIKAWA-KUROKI SYNDROME; Kabuki make-up syndrome. Identifiers: Orphanet 2322, MedGen C0796004, MONDO:0016512.

Submission:

Labcorp Genetics (formerly Invitae), Labcorp
Classification: Uncertain significance for Kabuki syndrome. Last evaluated: 2024-05-02. Review status: criteria provided, single submitter. Criteria: Invitae Variant Classification Sherloc (09022015). Collection method: clinical testing. Allele origin: germline.
Comment: This sequence change replaces arginine, which is basic and polar, with glycine, which is neutral and non-polar, at codon 324 of the KMT2D protein (p.Arg324Gly). This variant is not present in population databases (gnomAD no frequency). This variant has not been reported in the literature in individuals affected with KMT2D-related conditions. Advanced modeling of protein sequence and biophysical properties (such as structural, functional, and spatial information, amino acid conservation, physicochemical variation, residue mobility, and thermodynamic stability) performed at Invitae indicates that this missense variant is not expected to disrupt KMT2D protein function with a negative predictive value of 95%. In summary, the available evidence is currently insufficient to determine the role of this variant in disease. Therefore, it has been classified as a Variant of Uncertain Significance.